The following is an entry in ClinVar:

ClinVar aggregate classification (germline): Uncertain significance (1 of 4 stars; one submission).

Submission:

GeneDx
Classification: Uncertain significance. Last evaluated: 2019-10-08. Review status: criteria provided, single submitter. Criteria: GeneDx Variant Classification Process June 2021. Collection method: clinical testing. Allele origin: germline. Affected: yes.
Comment: Not observed in large population cohorts (Lek et al., 2016); In silico analysis, which includes protein predictors and evolutionary conservation, supports a deleterious effect; Has not been previously published as pathogenic or benign to our knowledge

NM_000687.4(AHCY):c.1273T>G (p.Phe425Val)

Gene: AHCY (adenosylhomocysteinase; minus strand). Cytogenetic location: 20q11.22.
Variant type: single nucleotide variant.
Coding change: c.1273T>G on transcript NM_000687.4 (MANE Select); coding-DNA position 1273, T replaced by G.
Protein change: p.Phe425Val; replaces phenylalanine 425 with valine.
Molecular consequence: missense variant.
Genome position (GRCh38, 1-based): chr20:34,281,060, A>C on the plus strand (T>G on the coding strand, the complement: AHCY is on the minus strand). VCF-style: chr20-34281060-A-C. GRCh37 (hg19) VCF-style: chr20-32868866-A-C.
Other names: c.1189T>G, p.Phe397Val (NM_001161766.2, NM_001322084.2, NM_001322085.2); c.1279T>G, p.Phe427Val (NM_001322086.2); c.1273T>G, p.Phe425Val (NM_001362750.2); short protein forms F397V, F425V, F427V.
Identifiers: ClinVar variation 452110 (VCV000452110.3), dbSNP rs1555830638, ClinGen allele CA408652218.